The following is an entry in ClinVar:

ClinVar aggregate classification (germline): Uncertain significance. Review status: criteria provided, multiple submitters, no conflicts (2 of 4 stars). 2 submissions from 2 submitters: Uncertain significance (2). Last evaluated 2026-01-29.

Allele frequency attached by ClinVar (database versions not stated): ExAC 0.00014; 1000 Genomes Project 0.00020; ESP Exome Variant Server 0.00025; 1000 Genomes Project 30x 0.00016; gnomAD 0.00007; TOPMed 0.00007; gnomAD exomes 0.00008.
gnomAD v4.1: 136 of 1,614,000 alleles (0.0084%); highest among the groups gnomAD compares: Non-Finnish European, 0.011%; no homozygotes.

Submissions (2):

Dasa
Classification: Uncertain significance. Last evaluated: 2026-01-29. Review status: criteria provided, single submitter. Criteria: DASA Assertion Criteria. Collection method: clinical testing. Allele origin: germline.
Comment: NM_005245.4(FAT1):c.4433T>C (p.Ile1478Thr) is a missense variant that results in the substitution of isoleucine with threonine. This variant is rare in population databases. The currently available literature and clinical evidence are not sufficient to establish a definitive association between this variant and the reported condition. Therefore, this variant is classified as a variant of uncertain significance.

Labcorp Genetics (formerly Invitae), Labcorp
Classification: Uncertain significance. Last evaluated: 2022-08-09. Review status: criteria provided, single submitter. Criteria: Invitae Variant Classification Sherloc (09022015). Collection method: clinical testing. Allele origin: germline.
Comment: In summary, the available evidence is currently insufficient to determine the role of this variant in disease. Therefore, it has been classified as a Variant of Uncertain Significance. Algorithms developed to predict the effect of missense changes on protein structure and function (SIFT, PolyPhen-2, Align-GVGD) all suggest that this variant is likely to be disruptive. This missense change has been observed in individual(s) with spinocerebellar ataxia (PMID: 29053796). This variant is present in population databases (rs370782962, gnomAD 0.02%). This sequence change replaces isoleucine, which is neutral and non-polar, with threonine, which is neutral and polar, at codon 1478 of the FAT1 protein (p.Ile1478Thr).

Literature cited by the submitters: PubMed 29053796 (cited by Labcorp Genetics (formerly Invitae), Labcorp).

NM_005245.4(FAT1):c.4433T>C (p.Ile1478Thr)

Gene: FAT1 (FAT atypical cadherin 1; minus strand). Cytogenetic location: 4q35.2.
Variant type: single nucleotide variant.
Coding change: c.4433T>C on transcript NM_005245.4 (MANE Select); coding-DNA position 4433, T replaced by C.
Protein change: p.Ile1478Thr; replaces isoleucine 1478 with threonine.
Molecular consequence: missense variant.
Genome position (GRCh38, 1-based): chr4:186,628,654, A>G on the plus strand (T>C on the coding strand, the complement: FAT1 is on the minus strand). VCF-style: chr4-186628654-A-G. GRCh37 (hg19) VCF-style: chr4-187549808-A-G.
Other names: short protein forms I1478T.
Identifiers: ClinVar variation 2076915 (VCV002076915.4), dbSNP rs370782962, ClinGen allele CA3166713.